The following is an entry in ClinVar:

NM_182641.4(BPTF):c.5326T>A (p.Ser1776Thr)

Gene: BPTF (bromodomain PHD finger transcription factor; plus strand). Cytogenetic location: 17q24.2.
Variant type: single nucleotide variant.
Coding change: c.5326T>A on transcript NM_182641.4 (MANE Select); coding-DNA position 5326, T replaced by A.
Protein change: p.Ser1776Thr; replaces serine 1776 with threonine.
Molecular consequence: missense variant.
Genome position (GRCh38, 1-based): chr17:67,918,736, T>A. VCF-style: chr17-67918736-T-A. GRCh37 (hg19) VCF-style: chr17-65914852-T-A.
Other names: c.5704T>A, p.Ser1902Thr (NM_004459.7); short protein forms S1776T, S1902T.
Identifiers: ClinVar variation 3376473 (VCV003376473.1).

ClinVar aggregate classification (germline): Uncertain significance (1 of 4 stars; one submission).

Conditions:
Neurodevelopmental disorder with dysmorphic facies and distal limb anomalies. Identifiers: Orphanet 686482, MedGen C4540327, MONDO:0060596, OMIM 617755.

Submission:

Pittsburgh Clinical Genomics Laboratory, University of Pittsburgh Medical Center
Classification: Uncertain significance for Neurodevelopmental disorder with dysmorphic facies and distal limb anomalies. Last evaluated: 2024-04-01. Review status: criteria provided, single submitter. Criteria: ACMG Guidelines, 2015. Collection method: clinical testing. Allele origin: germline. Inheritance: Autosomal dominant inheritance. Affected: yes.
Comment: This sequence variant is a single nucleotide substitution (T>A) at position 5704 of the coding sequence of the BPTF gene that results in a serine to threonine amino acid change at residue 1902 of the bromodomain PHD finger transcription factor protein. This variant is absent from ClinVar and has not been observed in individuals affected by a BPTF-related disorder in the published literature, to our knowledge. This variant is absent from the gnomAD v4.0.0 population database (0/~152,000 alleles). Bioinformatic tools are inconclusive if this amino acid change will be damaging or tolerated, and the Ser1902 residue at this position is highly conserved across the vertebrate species examined. Studies examining the functional consequence of this variant have not been published, to our knowledge. At this time, there is insufficient evidence to determine if this variant is pathogenic or benign. Therefore, we consider this a variant of uncertain significance. ACMG Criteria: PM2